The following is an entry in ClinVar:

NM_015102.5(NPHP4):c.673+18T>G

Gene: NPHP4 (nephrocystin 4; minus strand). Cytogenetic location: 1p36.31.
Variant type: single nucleotide variant.
Coding change: c.673+18T>G on transcript NM_015102.5 (MANE Select); 18 bases into the intron after coding-DNA position 673, T replaced by G.
Molecular consequence: intron variant.
Genome position (GRCh38, 1-based): chr1:5,961,776, A>C on the plus strand (T>G on the coding strand, the complement: NPHP4 is on the minus strand). VCF-style: chr1-5961776-A-C. GRCh37 (hg19) VCF-style: chr1-6021836-A-C.
Other names: c.-694+18T>G (NM_001291594.2); c.-557+18T>G (NM_001291593.2).
Identifiers: ClinVar variation 2178891 (VCV002178891.4), dbSNP rs2523508860, ClinGen allele CA2580062524.

ClinVar aggregate classification (germline): Uncertain significance (1 of 4 stars; one submission).

Conditions:
Nephronophthisis. Also called: Juvenile Nephronophthisis. Identifiers: Orphanet 655, MedGen C0687120, MONDO:0019005, HP:0000090.

Submission:

Labcorp Genetics (formerly Invitae), Labcorp
Classification: Uncertain significance for Nephronophthisis. Last evaluated: 2022-05-09. Review status: criteria provided, single submitter. Criteria: Invitae Variant Classification Sherloc (09022015). Collection method: clinical testing. Allele origin: germline.
Comment: This sequence change falls in intron 6 of the NPHP4 gene. It does not directly change the encoded amino acid sequence of the NPHP4 protein. This variant is not present in population databases (gnomAD no frequency). This variant has not been reported in the literature in individuals affected with NPHP4-related conditions. Algorithms developed to predict the effect of sequence changes on RNA splicing suggest that this variant may create or strengthen a splice site. In summary, the available evidence is currently insufficient to determine the role of this variant in disease. Therefore, it has been classified as a Variant of Uncertain Significance.